The following is an entry in ClinVar:

ClinVar aggregate classification (germline): Likely benign. Review status: criteria provided, multiple submitters, no conflicts (2 of 4 stars). 4 submissions from 4 submitters: Likely benign (4). Last evaluated 2025-04-29.

Conditions:
Idiopathic Pulmonary Fibrosis. Also called: Idiopathic fibrosing alveolitis, chronic form; idiopathic fibrosing alveolitis. Identifiers: Orphanet 2032, MedGen C1800706, MeSH D054990, MONDO:0800504.
Dyskeratosis congenita, autosomal dominant 2. Identifiers: MedGen C3151443, MONDO:0013521, OMIM 613989.
TERT-related disorder. Also called: TERT-related condition; TERT-related disorders.
Dyskeratosis congenita. Identifiers: Orphanet 1775, MedGen C0265965, MONDO:0015780.

Allele frequency attached by ClinVar (database versions not stated): TOPMed 0.00001; gnomAD 0.00003 and 0.00004; gnomAD exomes 0.00004 and 0.00006; ExAC 0.00005; ESP Exome Variant Server 0.00008.
gnomAD v4.1: 67 of 1,612,440 alleles (0.0042%); highest among the groups gnomAD compares: South Asian, 0.02%; 1 homozygote.

Submissions (4):

PreventionGenetics, part of Exact Sciences
Classification: Likely benign for TERT-related condition. Last evaluated: 2025-04-29. Review status: criteria provided, single submitter. Criteria: ACMG Guidelines, 2015. Collection method: clinical testing. Allele origin: germline.
Comment: This variant is classified as likely benign based on ACMG/AMP sequence variant interpretation guidelines (Richards et al. 2015 PMID: 25741868, with internal and published modifications).

Labcorp Genetics (formerly Invitae), Labcorp
Classification: Likely benign for Dyskeratosis congenita, autosomal dominant 2; Idiopathic Pulmonary Fibrosis. Last evaluated: 2024-06-24. Review status: criteria provided, single submitter. Criteria: Invitae Variant Classification Sherloc (09022015). Collection method: clinical testing. Allele origin: germline.

Ambry Genetics
Classification: Likely benign for Dyskeratosis congenita. Last evaluated: 2022-03-07. Review status: criteria provided, single submitter. Criteria: Ambry Variant Classification Scheme 2023. Collection method: clinical testing. Allele origin: germline.

Blueprint Genetics
Classification: Likely benign. Last evaluated: 2021-12-13. Review status: criteria provided, single submitter. Criteria: ACMG Guidelines, 2015. Collection method: clinical testing. Allele origin: germline.

NM_198253.3(TERT):c.3180C>T (p.Gly1060=)

Gene: TERT (telomerase reverse transcriptase; minus strand). Cytogenetic location: 5p15.33.
Variant type: single nucleotide variant.
Coding change: c.3180C>T on transcript NM_198253.3 (MANE Select); coding-DNA position 3180, C replaced by T.
Protein change: p.Gly1060=; no amino-acid change (glycine 1060 retained).
Molecular consequence: synonymous variant. On other transcripts: non-coding transcript variant (2).
Genome position (GRCh38, 1-based): chr5:1,254,483, G>A on the plus strand (C>T on the coding strand, the complement: TERT is on the minus strand). VCF-style: chr5-1254483-G-A. GRCh37 (hg19) VCF-style: chr5-1254598-G-A.
Other names: c.2991C>T, p.Gly997= (NM_001193376.3).
Identifiers: ClinVar variation 702481 (VCV000702481.15), dbSNP rs202166769, ClinGen allele CA3184252.